The following is an entry in ClinVar:

ClinVar aggregate classification (germline): Conflicting classifications of pathogenicity. Review status: criteria provided, conflicting classifications (1 of 4 stars). 4 submissions from 4 submitters: Uncertain significance (1); Likely benign (3). Last evaluated 2026-09-16.

Conditions:
PRPF31-related disorder. Also called: PRPF31-related condition.
Retinitis pigmentosa (RP). Identifiers: Orphanet 791, MedGen C0035334, MeSH D012174, MONDO:0019200, OMIM 268000. Inheritance: Autosomal dominant, autosomal recessive and X linked inheritance.

Allele frequency attached by ClinVar (database versions not stated): gnomAD 0.00019; TOPMed 0.00025; ESP Exome Variant Server 0.00031.
gnomAD v4.1: 144 of 1,613,026 alleles (0.0089%); highest among the groups gnomAD compares: African/African-American, 0.036%; no homozygotes.

Submissions (4):

PreventionGenetics, part of Exact Sciences
Classification: Likely benign for PRPF31-related condition. Last evaluated: 2026-09-16. Review status: criteria provided, single submitter. Criteria: ACMG Guidelines, 2015. Collection method: clinical testing. Allele origin: germline.
Comment: This variant is classified as likely benign based on ACMG/AMP sequence variant interpretation guidelines (Richards et al. 2015 PMID: 25741868, with internal and published modifications).

Labcorp Genetics (formerly Invitae), Labcorp
Classification: Likely benign. Last evaluated: 2025-11-08. Review status: criteria provided, single submitter. Criteria: Invitae Variant Classification Sherloc (09022015). Collection method: clinical testing. Allele origin: germline.

Blueprint Genetics
Classification: Likely benign. Last evaluated: 2024-10-25. Review status: criteria provided, single submitter. Criteria: ACMG Guidelines, 2015. Collection method: clinical testing. Allele origin: germline.

Illumina Laboratory Services, Illumina
Classification: Uncertain significance for Retinitis pigmentosa. Last evaluated: 2018-01-12. Review status: criteria provided, single submitter. Criteria: ICSL Variant Classification Criteria 13 December 2019. Collection method: clinical testing. Allele origin: germline.

NM_015629.4(PRPF31):c.697+10C>T

Gene: PRPF31 (pre-mRNA processing factor 31; plus strand). Cytogenetic location: 19q13.42.
Variant type: single nucleotide variant.
Coding change: c.697+10C>T on transcript NM_015629.4 (MANE Select); 10 bases into the intron after coding-DNA position 697, C replaced by T.
Molecular consequence: intron variant.
Genome position (GRCh38, 1-based): chr19:54,123,928, C>T. VCF-style: chr19-54123928-C-T. GRCh37 (hg19) VCF-style: chr19-54627307-C-T.
Identifiers: ClinVar variation 330099 (VCV000330099.14), dbSNP rs369722854, ClinGen allele CA309325385.